The following is an entry in ClinVar:

ClinVar aggregate classification (germline): Uncertain significance (1 of 4 stars; one submission).

Conditions:
Gastrointestinal stromal tumor. Also called: Gastrointestinal stromal tumor, somatic; Gastrointestinal stroma tumor. Identifiers: Orphanet 44890, MedGen C0238198, MeSH D046152, MONDO:0011719, OMIM 606764, HP:0100723.

Submission:

Labcorp Genetics (formerly Invitae), Labcorp
Classification: Uncertain significance for Gastrointestinal stromal tumor. Last evaluated: 2024-07-31. Review status: criteria provided, single submitter. Criteria: Invitae Variant Classification Sherloc (09022015). Collection method: clinical testing. Allele origin: germline.
Comment: This sequence change replaces proline, which is neutral and non-polar, with histidine, which is basic and polar, at codon 944 of the KIT protein (p.Pro944His). This variant is not present in population databases (gnomAD no frequency). This variant has not been reported in the literature in individuals affected with KIT-related conditions. An algorithm developed to predict the effect of missense changes on protein structure and function (PolyPhen-2) suggests that this variant is likely to be disruptive. In summary, the available evidence is currently insufficient to determine the role of this variant in disease. Therefore, it has been classified as a Variant of Uncertain Significance.

NM_000222.3(KIT):c.2831C>A (p.Pro944His)

Gene: KIT (KIT proto-oncogene, receptor tyrosine kinase; plus strand). Cytogenetic location: 4q12.
Variant type: single nucleotide variant.
Coding change: c.2831C>A on transcript NM_000222.3 (MANE Select); coding-DNA position 2831, C replaced by A.
Protein change: p.Pro944His; replaces proline 944 with histidine.
Molecular consequence: missense variant.
Genome position (GRCh38, 1-based): chr4:54,738,457, C>A. VCF-style: chr4-54738457-C-A. GRCh37 (hg19) VCF-style: chr4-55604623-C-A.
Other names: c.2819C>A, p.Pro940His (NM_001093772.2, NM_001385292.1); c.2834C>A, p.Pro945His (NM_001385284.1); c.2828C>A, p.Pro943His (NM_001385285.1); c.2816C>A, p.Pro939His (NM_001385286.1); c.2822C>A, p.Pro941His (NM_001385288.1); c.2831C>A, p.Pro944His (NM_001385290.1); short protein forms P944H, P940H, P941H, P945H, P939H, P943H.
Identifiers: ClinVar variation 3661013 (VCV003661013.2).